The following is an entry in ClinVar:

NM_013275.6(ANKRD11):c.6968_6975del (p.Ala2323fs)

Gene: ANKRD11 (ankyrin repeat domain 11; minus strand). Cytogenetic location: 16q24.3.
Variant type: Deletion.
Coding change: c.6968_6975del on transcript NM_013275.6 (MANE Select); coding-DNA positions 6968 to 6975, 8 bases deleted (CCCCGAAG; older notation c.6968_6975delCCCCGAAG).
Protein change: p.Ala2323fs; shifts the reading frame from alanine 2323.
Molecular consequence: frameshift variant.
Genome position (GRCh38, 1-based): chr16:89,279,567-89,279,574, CTTCGGGG deleted on the plus strand (CCCCGAAG on the coding strand, the reverse complement: ANKRD11 is on the minus strand); deleting any 8 consecutive bases within chr16:89,279,567-89,279,580 gives the same sequence; the c. name uses the placement nearest the transcript's 3' end. VCF-style (leftmost placement, unchanged base first): chr16-89279566-CCTTCGGGG-C. GRCh37 (hg19) VCF-style: chr16-89345974-CCTTCGGGG-C.
Other names: NM_013275.6(ANKRD11):c.6968_6975del; p.Ala2323fs; c.6968_6975del, p.Ala2323fs (NM_001256182.2, NM_001256183.2); c.6968_6975delCCCCGAAG (NM_013275.5); c.6968_6975del (NM_013275.5); short protein forms A2323fs.
Identifiers: ClinVar variation 546454 (VCV000546454.17), dbSNP rs1555525115, ClinGen allele CA658824189.
Genomic context (GRCh38, chr16:89,279,566, plus strand): 5'-TCGCGAGCATCTGCGCCCGGTTCCTGGTCATGCGCTGAGGGATCTCCTCCACTCGGGGGG[CCTTCGGGG>C]CTTCGGCCGTGGGTTTTGGTTCTGCGGCTTCCGGCTGGATGCCGCCAGGAGGGCCTTCGG-3'

ClinVar aggregate classification (germline): Pathogenic. Review status: criteria provided, multiple submitters, no conflicts (2 of 4 stars). 7 submissions from 7 submitters: Pathogenic (7). Last evaluated 2026-03-05.

Conditions:
KBG syndrome (KBGS). Also called: ANKRD11-Related KBG Syndrome. Identifiers: Orphanet 2332, MedGen C0220687, MONDO:0007846, OMIM 148050.
ANKRD11-related disorder. Also called: ANKRD11-related condition.

Submissions (7):

Broad Center for Mendelian Genomics, Broad Institute of MIT and Harvard
Classification: Pathogenic for KBG syndrome. Last evaluated: 2026-03-05. Review status: criteria provided, single submitter. Criteria: ACMG Guidelines, 2015. Collection method: research. Allele origin: germline. Inheritance: Autosomal dominant inheritance. Study: GREGoR Consortium.
Comment: The p.Ala2323GlyfsX206 variant in ANKRD11 has been reported in at least 3 individuals with KBG syndrome, including 2 de novo occurrences (Carraro 2019 PMID: 31144778, Martinez-Cayuelas 2023 PMID: 36446582, ClinVar SCV000999362.l). It was absent from large population studies but has been reported in ClinVar {Variation ID 546454). This variant is predicted to cause a frameshift, which alters the protein's amino acid sequence beginning at position 2323 and leads to a premature termination codon 206 amino acids downstream. Loss of function of the ANKRD11 gene is an established disease mechanism in autosomal dominant KBG syndrome. In summary, this variant meets criteria to be classified as pathogenic for autosomal dominant KBG syndrome. ACMG/AMP Criteria applied: PVSl, PS2_Moderate, PM2_Supporting.

Blueprint Genetics
Classification: Pathogenic for ANKRD11-related disorders. Last evaluated: 2024-05-24. Review status: criteria provided, single submitter. Criteria: ACMG Guidelines, 2015. Collection method: clinical testing. Allele origin: germline. Affected: yes. Observed: 1 variant allele.

Laboratory for Molecular Medicine, Mass General Brigham Personalized Medicine
Classification: Pathogenic for KBG syndrome. Last evaluated: 2024-03-22. Review status: criteria provided, single submitter. Criteria: ACMG Guidelines, 2015. Collection method: clinical testing. Allele origin: germline. Inheritance: Autosomal dominant inheritance.
Comment: The p.Ala2323GlyfsX206 variant in ANKRD11 has been reported in at least 3 individuals with KBG syndrome, including 2 de novo occurrences (Carraro 2019 PMID: 31144778, Martinez-Cayuelas 2023 PMID: 36446582, ClinVar SCV: SCV000999362.1). It was absent from large population studies, but has been reported in ClinVar (Variation ID 546454). This variant is predicted to cause a frameshift, which alters the protein’s amino acid sequence beginning at position 2323 and leads to a premature termination codon 206 amino acids downstream. Loss of function of the ANKRD11 gene is an established disease mechanism in autosomal dominant KBG syndrome. In summary, this variant meets criteria to be classified as pathogenic for autosomal dominant KBG syndrome. ACMG/AMP Criteria applied: PVS1, PS2_Moderate, PM2_Supporting.

GeneDx
Classification: Pathogenic. Last evaluated: 2023-09-23. Review status: criteria provided, single submitter. Criteria: GeneDx Variant Classification Process June 2021. Collection method: clinical testing. Allele origin: germline. Affected: yes.
Comment: Frameshift variant predicted to result in protein truncation or nonsense mediated decay in a gene for which loss of function is a known mechanism of disease; Not observed at significant frequency in large population cohorts (gnomAD); This variant is associated with the following publications: (PMID: 31144778, 31209962)

Labcorp Genetics (formerly Invitae), Labcorp
Classification: Pathogenic for KBG syndrome. Last evaluated: 2022-04-22. Review status: criteria provided, single submitter. Criteria: Invitae Variant Classification Sherloc (09022015). Collection method: clinical testing. Allele origin: germline.
Comment: For these reasons, this variant has been classified as Pathogenic. ClinVar contains an entry for this variant (Variation ID: 546454). This variant has not been reported in the literature in individuals affected with ANKRD11-related conditions. This variant is not present in population databases (gnomAD no frequency). This sequence change creates a premature translational stop signal (p.Ala2323Glyfs*206) in the ANKRD11 gene. It is expected to result in an absent or disrupted protein product. Loss-of-function variants in ANKRD11 are known to be pathogenic (PMID: 21782149, 25125236, 25413698, 25652421).

Institute of Medical Genetics and Applied Genomics, University Hospital Tübingen
Classification: Pathogenic. Last evaluated: 2020-10-23. Review status: criteria provided, single submitter. Criteria: ACMG Guidelines, 2015. Collection method: clinical testing. Allele origin: germline. Inheritance: Autosomal dominant inheritance. Affected: yes.

Institute for Genomic Statistics and Bioinformatics, University Hospital Bonn
Classification: Pathogenic for KBG syndrome. Review status: criteria provided, single submitter. Criteria: ACMG Guidelines, 2015. Collection method: clinical testing. Allele origin: unknown. Affected: yes. Observed: 1 variant allele.

Literature cited by the submitters: PubMed 36446582 (cited by Laboratory for Molecular Medicine, Mass General Brigham Personalized Medicine); PubMed 31144778 (cited by Laboratory for Molecular Medicine, Mass General Brigham Personalized Medicine); PubMed 21782149 (cited by Labcorp Genetics (formerly Invitae), Labcorp); PubMed 25125236 (cited by Labcorp Genetics (formerly Invitae), Labcorp); PubMed 25413698 (cited by Labcorp Genetics (formerly Invitae), Labcorp); PubMed 25652421 (cited by Labcorp Genetics (formerly Invitae), Labcorp).